The following is an entry in ClinVar:

ClinVar aggregate classification (germline): Pathogenic (1 of 4 stars; one submission).

Conditions:
Episodic ataxia type 2 (EA2). Also called: ATAXIA, EPISODIC, WITH NYSTAGMUS; ATAXIA, FAMILIAL PAROXYSMAL; CEREBELLAR ATAXIA, PAROXYSMAL, ACETAZOLAMIDE-RESPONSIVE; CEREBELLOPATHY, HEREDITARY PAROXYSMAL; ACETAZOLAMIDE-RESPONSIVE HEREDITARY PAROXYSMAL CEREBELLAR ATAXIA; EPISODIC ATAXIA, NYSTAGMUS-ASSOCIATED. Identifiers: Orphanet 97, MedGen C1720416, MONDO:0007163, OMIM 108500.
Developmental and epileptic encephalopathy, 42 (DEE42A). Also called: Epileptic encephalopathy, early infantile, 42; DEVELOPMENTAL AND EPILEPTIC ENCEPHALOPATHY 42A; EPILEPTIC ENCEPHALOPATHY, EARLY INFANTILE, 42A. Identifiers: MedGen C4310716, MONDO:0014917, OMIM 617106.

Submission:

Labcorp Genetics (formerly Invitae), Labcorp
Classification: Pathogenic for Developmental and epileptic encephalopathy, 42; Episodic ataxia type 2. Last evaluated: 2023-11-27. Review status: criteria provided, single submitter. Criteria: Invitae Variant Classification Sherloc (09022015). Collection method: clinical testing. Allele origin: germline.
Comment: This sequence change creates a premature translational stop signal (p.Ser947Tyrfs*118) in the CACNA1A gene. It is expected to result in an absent or disrupted protein product. Loss-of-function variants in CACNA1A are known to be pathogenic (PMID: 10371528, 19486177, 25735478, 27250579). This variant is not present in population databases (gnomAD no frequency). This variant has not been reported in the literature in individuals affected with CACNA1A-related conditions. ClinVar contains an entry for this variant (Variation ID: 2023642). For these reasons, this variant has been classified as Pathogenic.

Literature cited by the submitters: PubMed 10371528; PubMed 19486177; PubMed 25735478; PubMed 27250579.

NM_001127222.2(CACNA1A):c.2837_2844del (p.Ser946fs)

Gene: CACNA1A (calcium voltage-gated channel subunit alpha1 A; minus strand). Cytogenetic location: 19p13.13.
Variant type: Deletion.
Coding change: c.2837_2844del on transcript NM_001127222.2 (MANE Select); coding-DNA positions 2837 to 2844, 8 bases deleted (CCCCGCGC; older notation c.2837_2844delCCCCGCGC).
Protein change: p.Ser946fs; shifts the reading frame from serine 946.
Molecular consequence: frameshift variant.
Genome position (GRCh38, 1-based): chr19:13,298,789-13,298,796, GCGCGGGG deleted on the plus strand (CCCCGCGC on the coding strand, the reverse complement: CACNA1A is on the minus strand). VCF-style (leftmost placement, unchanged base first): chr19-13298788-TGCGCGGGG-T. GRCh37 (hg19) VCF-style: chr19-13409602-TGCGCGGGG-T.
Other names: c.2849_2856del, p.Ser950fs (NM_000068.4, NM_023035.3); c.2840_2847del, p.Ser947fs (NM_001127221.2, NM_001174080.2); short protein forms S947fs, S946fs, S950fs.
Identifiers: ClinVar variation 2023642 (VCV002023642.4), dbSNP rs2512906524, ClinGen allele CA2580096609.